The following is an entry in ClinVar:

NM_014727.3(KMT2B):c.7317C>T (p.Ile2439=)

Gene: KMT2B (lysine methyltransferase 2B; plus strand). Cytogenetic location: 19q13.12.
Variant type: single nucleotide variant.
Coding change: c.7317C>T on transcript NM_014727.3 (MANE Select); coding-DNA position 7317, C replaced by T.
Protein change: p.Ile2439=; no amino-acid change (isoleucine 2439 retained).
Molecular consequence: synonymous variant.
Genome position (GRCh38, 1-based): chr19:35,736,931, C>T. VCF-style: chr19-35736931-C-T. GRCh37 (hg19) VCF-style: chr19-36227832-C-T.
Identifiers: ClinVar variation 722422 (VCV000722422.16), dbSNP rs376816294, ClinGen allele CA9385930.

ClinVar aggregate classification (germline): Benign/Likely benign. Review status: criteria provided, multiple submitters, no conflicts (2 of 4 stars). 3 submissions from 3 submitters: Benign (1); Likely benign (2). Last evaluated 2025-12-30.

Allele frequency attached by ClinVar (database versions not stated): ExAC 0.00012; 1000 Genomes Project 30x 0.00016; 1000 Genomes Project 0.00020; ESP Exome Variant Server 0.00039; gnomAD 0.00041; TOPMed 0.00041.

Submissions (3):

Labcorp Genetics (formerly Invitae), Labcorp
Classification: Benign. Last evaluated: 2025-12-30. Review status: criteria provided, single submitter. Criteria: Invitae Variant Classification Sherloc (09022015). Collection method: clinical testing. Allele origin: germline.

CeGaT Center for Human Genetics Tuebingen
Classification: Likely benign. Last evaluated: 2025-10-01. Review status: criteria provided, single submitter. Criteria: CeGaT Center For Human Genetics Tuebingen Variant Classification Criteria Version 2. Collection method: clinical testing. Allele origin: germline. Affected: yes. Observed: 1 variant allele.
Comment: KMT2B: BP4, BP7

Blueprint Genetics
Classification: Likely benign. Last evaluated: 2024-11-11. Review status: criteria provided, single submitter. Criteria: ACMG Guidelines, 2015. Collection method: clinical testing. Allele origin: germline.